The following is an entry in ClinVar:

ClinVar aggregate classification (germline): Benign/Likely benign. Review status: criteria provided, multiple submitters, no conflicts (2 of 4 stars). 4 submissions from 4 submitters: Benign (3); Likely benign (1). Last evaluated 2026-01-18.

Allele frequency attached by ClinVar (database versions not stated): gnomAD exomes 0.00071 and 0.00154; ExAC 0.00171; gnomAD 0.00470 and 0.00492; ESP Exome Variant Server 0.00561; TOPMed 0.00573; 1000 Genomes Project 30x 0.00671; 1000 Genomes Project 0.00679.
gnomAD v4.1: 1,817 of 1,614,108 alleles (0.11%); highest among the groups gnomAD compares: African/African-American, 1.6%; 12 homozygotes.

Submissions (4):

Labcorp Genetics (formerly Invitae), Labcorp
Classification: Benign. Last evaluated: 2026-01-18. Review status: criteria provided, single submitter. Criteria: Invitae Variant Classification Sherloc (09022015). Collection method: clinical testing. Allele origin: germline.

Blueprint Genetics
Classification: Likely benign. Last evaluated: 2024-11-25. Review status: criteria provided, single submitter. Criteria: ACMG Guidelines, 2015. Collection method: clinical testing. Allele origin: germline.

Mayo Clinic Laboratories, Mayo Clinic
Classification: Benign. Last evaluated: 2024-06-21. Review status: criteria provided, single submitter. Criteria: ACMG Guidelines, 2015. Collection method: clinical testing. Allele origin: germline. Observed: 3 variant alleles.
Comment: BS1, BS2, BP4, BP7

Breakthrough Genomics
Classification: Benign. Review status: criteria provided, single submitter. Criteria: ACMG Guidelines, 2015. Collection method: not provided. Allele origin: germline. Inheritance: Autosomal dominant inheritance. Affected: yes.

NM_001256071.3(RNF213):c.15561C>T (p.Leu5187=)

Genes: RNF213 (ring finger protein 213; plus strand), RNF213-AS1 (RNF213 antisense RNA 1; minus strand). Cytogenetic location: 17q25.3.
Variant type: single nucleotide variant.
Coding change: c.15561C>T on transcript NM_001256071.3 (MANE Select); coding-DNA position 15561, C replaced by T.
Protein change: p.Leu5187=; no amino-acid change (leucine 5187 retained).
Molecular consequence: synonymous variant.
Genome position (GRCh38, 1-based): chr17:80,393,435, C>T. VCF-style: chr17-80393435-C-T. GRCh37 (hg19) VCF-style: chr17-78367235-C-T.
Other names: p.Leu5187=.
Identifiers: ClinVar variation 775392 (VCV000775392.12), dbSNP rs61745927, ClinGen allele CA8823359.